The following is an entry in ClinVar:

ClinVar aggregate classification (germline): Benign (1 of 4 stars; one submission).

Conditions:
Lynch syndrome 4 (LYNCH4). Also called: Colorectal cancer, hereditary nonpolyposis, type 4; Hereditary non-polyposis colorectal cancer, type 4. Identifiers: Orphanet 144, MedGen C1838333, MONDO:0013699, OMIM 614337. Disease mechanism: loss of function.

Submission:

Myriad Genetics, Inc.
Classification: Benign for Lynch syndrome 4. Last evaluated: 2025-01-27. Review status: criteria provided, single submitter. Criteria: Myriad Autosomal Dominant, Autosomal Recessive and X-Linked Classification Criteria (2023). Collection method: clinical testing. Allele origin: unknown.
Comment: This variant is considered benign. This variant is a silent/synonymous amino acid change and it is not expected to impact splicing.

NM_000535.7(PMS2):c.618T>G (p.Leu206=)

Gene: PMS2 (PMS1 homolog 2, mismatch repair system component; minus strand). Cytogenetic location: 7p22.1.
Variant type: single nucleotide variant.
Coding change: c.618T>G on transcript NM_000535.7 (MANE Select); coding-DNA position 618, T replaced by G.
Protein change: p.Leu206=; no amino-acid change (leucine 206 retained).
Molecular consequence: synonymous variant. On other transcripts: 5 prime UTR variant (2), non-coding transcript variant (1), intron variant (9).
Genome position (GRCh38, 1-based): chr7:5,999,195, A>C on the plus strand (T>G on the coding strand, the complement: PMS2 is on the minus strand). VCF-style: chr7-5999195-A-C. GRCh37 (hg19) VCF-style: chr7-6038826-A-C.
Other names: c.618T>G, p.Leu206= (NM_001322006.2, NM_001322014.2, NM_001406870.1 and 4 more transcripts); c.300T>G, p.Leu100= (NM_001322007.2, NM_001322008.2, NM_001406876.1 and 4 more transcripts); c.213T>G, p.Leu71= (NM_001322009.2, NM_001322010.2, NM_001406887.1 and 19 more transcripts); c.-316T>G (NM_001322011.2, NM_001322012.2); c.309T>G, p.Leu103= (NM_001322015.2, NM_001406875.1, NM_001406877.1 and 6 more transcripts); c.804T>G, p.Leu268= (NM_001406866.1); c.642T>G, p.Leu214= (NM_001406868.1); c.282T>G, p.Leu94= (NM_001406885.1); and 6 more.
Identifiers: ClinVar variation 3903875 (VCV003903875.1).